The following is an entry in ClinVar:

ClinVar aggregate classification (germline): Conflicting classifications of pathogenicity. Review status: criteria provided, conflicting classifications (1 of 4 stars). 6 submissions from 6 submitters: Uncertain significance (4); Likely benign (1). 1 of the submissions does not count toward it. Last evaluated 2026-08-06.

Conditions:
Nephrotic syndrome, type 3 (NPHS3). Also called: NEPHROTIC SYNDROME, EARLY-ONSET, TYPE 3. Identifiers: Orphanet 656, MedGen C1853124, MONDO:0012546, OMIM 610725.
PLCE1-related disorder. Also called: PLCE1-related condition.
Proteinuria. Identifiers: MedGen C0033687, MONDO:0003634, HP:0000093.

Allele frequency attached by ClinVar (database versions not stated): TOPMed 0.00077; 1000 Genomes Project 30x 0.00156; ESP Exome Variant Server 0.00089; 1000 Genomes Project 0.00120.
gnomAD v4.1: 290 of 1,608,406 alleles (0.018%); highest among the groups gnomAD compares: African/African-American, 0.23%; 2 homozygotes.

Submissions (6):

OLLIN Analises Genomicas, OLLIN
Classification: Uncertain significance for Nephrotic syndrome, type 3. Last evaluated: 2026-08-06. Review status: criteria provided, single submitter. Criteria: ACMG Guidelines 2015 PMID 25741868. Collection method: clinical testing. Allele origin: germline. Inheritance: Autosomal recessive inheritance.
Comment: This missense variant, located in exon 10 (of 33), has been reported in ClinVar (accession VCV000301714.11) and in gnomAD with an allele frequency of 0.018%. However, to our knowledge, it has not been reported in the scientific literature. In silico analysis is inconclusive regarding the impact of this variant. According to the currently available evidence, this variant has been classified as uncertain significance (BS2).

Labcorp Genetics (formerly Invitae), Labcorp
Classification: Likely benign. Last evaluated: 2025-06-23. Review status: criteria provided, single submitter. Criteria: Invitae Variant Classification Sherloc (09022015). Collection method: clinical testing. Allele origin: germline.

UNC Molecular Genetics  Laboratory, University of North Carolina at Chapel Hill
Classification: Uncertain significance for Proteinuria. Last evaluated: 2022-03-03. Review status: criteria provided, single submitter. Criteria: ACMG Guidelines, 2015. Collection method: clinical testing. Allele origin: germline. Affected: yes. Observed: 1 heterozygote.

Illumina Laboratory Services, Illumina
Classification: Uncertain significance for Nephrotic syndrome, type 3. Last evaluated: 2018-01-12. Review status: criteria provided, single submitter. Criteria: ICSL Variant Classification Criteria 13 December 2019. Collection method: clinical testing. Allele origin: germline.

Breakthrough Genomics
Classification: Uncertain significance. Review status: criteria provided, single submitter. Criteria: ACMG Guidelines, 2015. Collection method: not provided. Allele origin: germline. Inheritance: Autosomal recessive inheritance. Affected: yes.

PreventionGenetics, part of Exact Sciences
Classification: Likely benign for PLCE1-related condition. Last evaluated: 2022-10-05. Review status: no assertion criteria provided. Collection method: clinical testing. Allele origin: germline. Not counted in ClinVar's aggregate classification.
Comment: This variant is classified as likely benign based on ACMG/AMP sequence variant interpretation guidelines (Richards et al. 2015 PMID: 25741868, with internal and published modifications).

NM_016341.4(PLCE1):c.3281G>T (p.Gly1094Val)

Gene: PLCE1 (phospholipase C epsilon 1; plus strand). Cytogenetic location: 10q23.33.
Variant type: single nucleotide variant.
Coding change: c.3281G>T on transcript NM_016341.4 (MANE Select); coding-DNA position 3281, G replaced by T.
Protein change: p.Gly1094Val; replaces glycine 1094 with valine.
Molecular consequence: missense variant.
Genome position (GRCh38, 1-based): chr10:94,254,191, G>T. VCF-style: chr10-94254191-G-T. GRCh37 (hg19) VCF-style: chr10-96013948-G-T.
Other names: c.2357G>T, p.Gly786Val (NM_001165979.2); c.3281G>T, p.Gly1094Val (NM_001288989.2); short protein forms G786V, G1094V.
Identifiers: ClinVar variation 879356 (VCV000879356.13), dbSNP rs61732523, ClinGen allele CA5612836.